The following is an entry in ClinVar:

NC_000023.11:g.(?_31819955)_(31932247_?)del

Genes: DMD (dystrophin; minus strand), LOC129391296 (MPRA-validated peak7373 silencer; plus strand). Cytogenetic location: Xp21.1.
Variant type: Deletion.
Identifiers: ClinVar variation 455815 (VCV000455815.8).

ClinVar aggregate classification (germline): Pathogenic (1 of 4 stars; one submission).

Conditions:
Duchenne muscular dystrophy (DMD). Also called: MUSCULAR DYSTROPHY, PSEUDOHYPERTROPHIC PROGRESSIVE, DUCHENNE TYPE; Duchenne Muscular Dystrophy (DMD). Identifiers: Orphanet 98896, MedGen C0013264, MONDO:0010679, OMIM 310200.

Submission:

Labcorp Genetics (formerly Invitae), Labcorp
Classification: Pathogenic for Duchenne muscular dystrophy. Last evaluated: 2023-12-14. Review status: criteria provided, single submitter. Criteria: Invitae Variant Classification Sherloc (09022015). Collection method: clinical testing. Allele origin: germline.
Comment: This variant is a gross deletion of the genomic region encompassing exon(s) 46-50 of the DMD gene. This deletion is out-of-frame, and is expected to create a premature termination codon and result in an absent or disrupted protein product. Loss-of-function variants in DMD are known to be pathogenic (PMID: 16770791, 25007885). A similar copy number variant has been observed in individual(s) with Duchenne or Becker muscular dystrophy (PMID: 12324874, 18663755, 19449031, 22090376). For these reasons, this variant has been classified as Pathogenic.

Literature cited by the submitters: PubMed 16770791; PubMed 25007885; PubMed 12324874; PubMed 18663755; PubMed 19449031; PubMed 22090376.